The following is an entry in ClinVar:

ClinVar aggregate classification (germline): Pathogenic (1 of 4 stars; one submission).

Conditions:
Deficiency of galactokinase. Also called: GALACTOSEMIA II; Galactokinase deficiency with cataracts. Identifiers: Orphanet 352, Orphanet 79237, MedGen C0268155, MONDO:0009255, OMIM 230200.

Submission:

Labcorp Genetics (formerly Invitae), Labcorp
Classification: Pathogenic for Deficiency of galactokinase. Last evaluated: 2023-01-30. Review status: criteria provided, single submitter. Criteria: Invitae Variant Classification Sherloc (09022015). Collection method: clinical testing. Allele origin: unknown.
Comment: For these reasons, this variant has been classified as Pathogenic. This variant disrupts a region of the GALK1 protein in which other variant(s) (p.Gln382*) have been determined to be pathogenic (PMID: 10790206). This suggests that this is a clinically significant region of the protein, and that variants that disrupt it are likely to be disease-causing. This variant has not been reported in the literature in individuals affected with GALK1-related conditions. This variant is a gross deletion of the genomic region encompassing exon(s) 2-8 of the GALK1 gene, which includes the termination codon. This deletion extends beyond the assayed region for this gene and therefore may encompass additional genes. While this deletion is not anticipated to lead to nonsense mediated decay, it is expected to alter mRNA translation or result in a truncated protein product.

Literature cited by the submitters: PubMed 10790206.

NC_000017.10:g.(?_73754137)_(73760187_?)del

Gene: GALK1 (galactokinase 1; minus strand). Cytogenetic location: 17q25.1.
Variant type: Deletion.
Identifiers: ClinVar variation 3242939 (VCV003242939.1).